The following is an entry in ClinVar:

ClinVar aggregate classification (germline): Likely pathogenic. Review status: criteria provided, single submitter (1 of 4 stars). 2 submissions from 2 submitters: Likely pathogenic (1). 1 of the submissions does not count toward it. Last evaluated 2024-08-20.

Conditions:
Ehlers-Danlos syndrome, type 4 (EDSVASC). Also called: Ehlers-Danlos syndrome vascular type; Ehlers Danlos syndrome, ecchymotic type; Ehlers Danlos syndrome, arterial type; Ehlers Danlos syndrome, Sack-Barabas type; Ehlers-Danlos Syndrome Type IV. Identifiers: Orphanet 286, MedGen C0268338, MONDO:0017314, OMIM 130050.

Submissions (2):

GeneDx
Classification: Likely pathogenic. Last evaluated: 2024-08-20. Review status: criteria provided, single submitter. Criteria: GeneDx Variant Classification Process June 2021. Collection method: clinical testing. Allele origin: germline. Affected: yes.
Comment: Not observed at significant frequency in large population cohorts (gnomAD); In silico analysis supports that this missense variant has a deleterious effect on protein structure/function; Occurs in the triple helical domain and replaces the glycine in the canonical Gly-X-Y repeat; missense substitution of a canonical glycine residue is expected to disrupt normal protein folding and function, and this is an established mechanism of disease (HGMD); This variant is associated with the following publications: (PMID: 9036918, 10706896, 24922459)

Collagen Diagnostic Laboratory, University of Washington
Classification: Pathogenic for Ehlers-Danlos syndrome, type 4. Review status: no assertion criteria provided. Collection method: clinical testing. Allele origin: germline. Affected: yes. Not counted in ClinVar's aggregate classification.

NM_000090.4(COL3A1):c.2276G>A (p.Gly759Asp)

Gene: COL3A1 (collagen type III alpha 1 chain; plus strand). Cytogenetic location: 2q32.2.
Variant type: single nucleotide variant.
Coding change: c.2276G>A on transcript NM_000090.4 (MANE Select); coding-DNA position 2276, G replaced by A.
Protein change: p.Gly759Asp; replaces glycine 759 with aspartic acid.
Molecular consequence: missense variant.
Genome position (GRCh38, 1-based): chr2:188,999,888, G>A. VCF-style: chr2-188999888-G-A. GRCh37 (hg19) VCF-style: chr2-189864614-G-A.
Identifiers: ClinVar variation 101103 (VCV000101103.3), dbSNP rs587779418, ClinGen allele CA005264.